The following is an entry in ClinVar:

ClinVar aggregate classification (germline): Uncertain significance. Review status: criteria provided, multiple submitters, no conflicts (2 of 4 stars). 4 submissions from 4 submitters: Uncertain significance (4). Last evaluated 2024-06-12.

Conditions:
COL11A2-related disorder. Also called: COL11A2-related condition; COL11A2-related disorders.

gnomAD v4.1: 42 of 1,614,162 alleles (0.0026%); highest among the groups gnomAD compares: South Asian, 0.033%; no homozygotes.

Submissions (4):

Labcorp Genetics (formerly Invitae), Labcorp
Classification: Uncertain significance. Last evaluated: 2024-06-12. Review status: criteria provided, single submitter. Criteria: Invitae Variant Classification Sherloc (09022015). Collection method: clinical testing. Allele origin: germline.
Comment: This sequence change replaces arginine, which is basic and polar, with glutamine, which is neutral and polar, at codon 118 of the COL11A2 protein (p.Arg118Gln). This variant is present in population databases (rs41268014, gnomAD 0.04%). This variant has not been reported in the literature in individuals affected with COL11A2-related conditions. ClinVar contains an entry for this variant (Variation ID: 1412522). Advanced modeling of protein sequence and biophysical properties (such as structural, functional, and spatial information, amino acid conservation, physicochemical variation, residue mobility, and thermodynamic stability) performed at Invitae indicates that this missense variant is not expected to disrupt COL11A2 protein function with a negative predictive value of 95%. In summary, the available evidence is currently insufficient to determine the role of this variant in disease. Therefore, it has been classified as a Variant of Uncertain Significance.

PreventionGenetics, part of Exact Sciences
Classification: Uncertain significance for COL11A2-related condition. Last evaluated: 2023-08-15. Review status: criteria provided, single submitter. Criteria: ACMG Guidelines, 2015. Collection method: clinical testing. Allele origin: germline.
Comment: The COL11A2 c.353G>A variant is predicted to result in the amino acid substitution p.Arg118Gln. To our knowledge, this variant has not been reported in the literature. This variant is reported in 0.042% of alleles in individuals of South Asian descent in gnomAD. At this time, the clinical significance of this variant is uncertain due to the absence of conclusive functional and genetic evidence.

GeneDx
Classification: Uncertain significance. Last evaluated: 2023-04-03. Review status: criteria provided, single submitter. Criteria: GeneDx Variant Classification Process June 2021. Collection method: clinical testing. Allele origin: germline. Affected: yes.
Comment: In silico analysis supports that this missense variant has a deleterious effect on protein structure/function; Has not been previously published as pathogenic or benign to our knowledge

Blueprint Genetics
Classification: Uncertain significance. Last evaluated: 2021-07-15. Review status: criteria provided, single submitter. Criteria: ACMG Guidelines, 2015. Collection method: clinical testing. Allele origin: germline.

NM_080680.3(COL11A2):c.353G>A (p.Arg118Gln)

Gene: COL11A2 (collagen type XI alpha 2 chain; minus strand). Cytogenetic location: 6p21.32.
Variant type: single nucleotide variant.
Coding change: c.353G>A on transcript NM_080680.3 (MANE Select); coding-DNA position 353, G replaced by A.
Protein change: p.Arg118Gln; replaces arginine 118 with glutamine.
Molecular consequence: missense variant.
Genome position (GRCh38, 1-based): chr6:33,189,068, C>T on the plus strand (G>A on the coding strand, the complement: COL11A2 is on the minus strand). VCF-style: chr6-33189068-C-T. GRCh37 (hg19) VCF-style: chr6-33156845-C-T.
Other names: c.353G>A, p.Arg118Gln (NM_001163771.2, NM_080679.3, NM_080681.3); c.353G>A (NM_080680.2); short protein forms R118Q.
Identifiers: ClinVar variation 1412522 (VCV001412522.8), dbSNP rs41268014, ClinGen allele CA3751688.